The following is an entry in ClinVar:

NM_017780.4(CHD7):c.6817A>G (p.Asn2273Asp)

Gene: CHD7 (chromodomain helicase DNA binding protein 7; plus strand). Cytogenetic location: 8q12.2.
Variant type: single nucleotide variant.
Coding change: c.6817A>G on transcript NM_017780.4 (MANE Select); coding-DNA position 6817, A replaced by G.
Protein change: p.Asn2273Asp; replaces asparagine 2273 with aspartic acid.
Molecular consequence: missense variant. On other transcripts: intron variant (1).
Genome position (GRCh38, 1-based): chr8:60,854,404, A>G. VCF-style: chr8-60854404-A-G. GRCh37 (hg19) VCF-style: chr8-61766963-A-G.
Other names: c.1717-7825A>G (NM_001316690.1); short protein forms N2273D.
Identifiers: ClinVar variation 930230 (VCV000930230.9), dbSNP rs1329129099, ClinGen allele CA371294691.

ClinVar aggregate classification (germline): Conflicting classifications of pathogenicity. Review status: criteria provided, conflicting classifications (1 of 4 stars). 3 submissions from 3 submitters: Uncertain significance (2); Likely benign (1). Last evaluated 2024-12-13.

Conditions:
Hypogonadotropic hypogonadism 5 with or without anosmia (KAL5). Also called: HYPOGONADOTROPIC HYPOGONADISM 5 WITH ANOSMIA; HYPOGONADOTROPHIC HYPOGONADISM 5 WITHOUT ANOSMIA; CHD7-Related GnRH Deficiency (Kallmann Syndrome 5). Identifiers: Orphanet 478, MedGen C3552553, MONDO:0012880, OMIM 612370. Disease mechanism: loss of function.
CHARGE syndrome (CHARGE). Also called: Hittner Hirsch Kreh syndrome; Coloboma, heart anomaly, choanal atresia, retardation, genital and ear anomalies; CHARGE association; Hall-Hittner syndrome; CHARGE ASSOCIATION--COLOBOMA, HEART ANOMALY, CHOANAL ATRESIA, RETARDATION, GENITAL AND EAR ANOMALIES. Identifiers: Orphanet 138, MedGen C0265354, MONDO:0008965.

Allele frequency attached by ClinVar (database versions not stated): gnomAD exomes below 0.00001; gnomAD 0.00001.
gnomAD v4.1: 4 of 1,613,704 alleles (0.00025%); highest among the groups gnomAD compares: Admixed American, 0.0033%; no homozygotes.

Submissions (3):

Labcorp Genetics (formerly Invitae), Labcorp
Classification: Likely benign for CHARGE syndrome. Last evaluated: 2024-12-13. Review status: criteria provided, single submitter. Criteria: Invitae Variant Classification Sherloc (09022015). Collection method: clinical testing. Allele origin: germline.

Fulgent Genetics
Classification: Uncertain significance for CHD7-related CHARGE syndrome; Hypogonadotropic hypogonadism 5 with or without anosmia. Last evaluated: 2022-05-09. Review status: criteria provided, single submitter. Criteria: ACMG Guidelines, 2015. Collection method: clinical testing. Allele origin: unknown.

Centre for Mendelian Genomics, University Medical Centre Ljubljana
Classification: Uncertain significance for CHD7-related CHARGE syndrome. Last evaluated: 2020-02-13. Review status: criteria provided, single submitter. Criteria: ACMG Guidelines, 2015. Collection method: clinical testing. Allele origin: unknown. Affected: yes.
Comment: This variant was classified as: Uncertain significance. The available evidence on this variant's pathogenicity is insufficient or conflicting. The following ACMG criteria were applied in classifying this variant: PM2,BP4.